The following is an entry in ClinVar:

NM_000256.3(MYBPC3):c.41A>G (p.Lys14Arg)

Gene: MYBPC3 (myosin binding protein C3; minus strand). Cytogenetic location: 11p11.2.
Variant type: single nucleotide variant.
Coding change: c.41A>G on transcript NM_000256.3 (MANE Select); coding-DNA position 41, A replaced by G.
Protein change: p.Lys14Arg; replaces lysine 14 with arginine.
Molecular consequence: missense variant.
Genome position (GRCh38, 1-based): chr11:47,351,490, T>C on the plus strand (A>G on the coding strand, the complement: MYBPC3 is on the minus strand). VCF-style: chr11-47351490-T-C. GRCh37 (hg19) VCF-style: chr11-47373041-T-C.
Other names: c.41A>G, p.Lys14Arg (LRG_386t1); short protein forms K14R.
Identifiers: ClinVar variation 418348 (VCV000418348.20), dbSNP rs779049126, ClinGen allele CA055355.

ClinVar aggregate classification (germline): Uncertain significance. Review status: criteria provided, multiple submitters, no conflicts (2 of 4 stars). 6 submissions from 6 submitters: Uncertain significance (6). Last evaluated 2025-11-08.

Conditions:
MYBPC3-related disorder. Also called: MYBPC3-related disorders; MYBPC3-related condition; MYBPC3-related disease.
Cardiovascular phenotype. Identifiers: MedGen CN230736.
Cardiomyopathy (CMYO). Also called: Cardiomyopathies. Identifiers: Orphanet 167848, MedGen C0878544, MONDO:0004994, HP:0001638. Inheritance: Various modes of inheritance.
Hypertrophic cardiomyopathy. Also called: HYPERTROPHIC MYOCARDIOPATHY. Identifiers: Orphanet 217569, MedGen C0007194, MeSH D002312, MONDO:0005045, HP:0001639.

Allele frequency attached by ClinVar (database versions not stated): gnomAD exomes below 0.00001 and 0.00001; ExAC 0.00001; gnomAD 0.00001; TOPMed 0.00001.

Submissions (6):

Labcorp Genetics (formerly Invitae), Labcorp
Classification: Uncertain significance for Hypertrophic cardiomyopathy. Last evaluated: 2025-11-08. Review status: criteria provided, single submitter. Criteria: Invitae Variant Classification Sherloc (09022015). Collection method: clinical testing. Allele origin: germline.
Comment: This sequence change replaces lysine, which is basic and polar, with arginine, which is basic and polar, at codon 14 of the MYBPC3 protein (p.Lys14Arg). This variant is present in population databases (rs779049126, gnomAD 0.007%). This missense change has been observed in individual(s) with dilated cardiomyopathy and/or hypertrophic cardiomyopathy (PMID: 26914223; internal data). ClinVar contains an entry for this variant (Variation ID: 418348). An algorithm developed to predict the effect of missense changes on protein structure and function (PolyPhen-2) suggests that this variant is likely to be tolerated. Algorithms developed to predict the effect of sequence changes on RNA splicing suggest that this variant may create or strengthen a splice site. In summary, the available evidence is currently insufficient to determine the role of this variant in disease. Therefore, it has been classified as a Variant of Uncertain Significance.

PreventionGenetics, part of Exact Sciences
Classification: Uncertain significance for MYBPC3-related condition. Last evaluated: 2025-10-22. Review status: criteria provided, single submitter. Criteria: ACMG Guidelines, 2015. Collection method: clinical testing. Allele origin: germline.
Comment: The MYBPC3 c.41A>G variant is predicted to result in the amino acid substitution p.Lys14Arg. This variant has been reported in an individual with hypertrophic cardiomyopathy (Table S2, Murphy et al. 2016. PubMed ID: 26914223). This variant has also been reported as a variant of uncertain significance in a cohort of individuals referred for genetic testing of cardiomyopathy and/or arrhythmia; however, detailed clinical information was not available (Supplement 2, Dellefave-Castillo et al. 2022. PubMed ID: 35947370). This variant is reported in 0.0071% of alleles in individuals of African descent in gnomAD. At this time, the clinical significance of this variant is uncertain due to the absence of conclusive functional and genetic evidence.

Color Diagnostics, LLC DBA Color Health
Classification: Uncertain significance for Cardiomyopathy. Last evaluated: 2024-12-23. Review status: criteria provided, single submitter. Criteria: ACMG Guidelines, 2015. Collection method: clinical testing. Allele origin: germline.
Comment: This missense variant replaces lysine with arginine at codon 14 of the MYBPC3 protein. Computational prediction suggests that this variant may not impact protein structure and function. To our knowledge, functional studies have not been reported for this variant. This variant has not been reported in individuals affected with MYBPC3-related disorders in the literature. This variant has been identified in 2/233798 chromosomes in the general population by the Genome Aggregation Database (gnomAD). The available evidence is insufficient to determine the role of this variant in disease conclusively. Therefore, this variant is classified as a Variant of Uncertain Significance.

All of Us Research Program, National Institutes of Health
Classification: Uncertain significance for Hypertrophic cardiomyopathy. Last evaluated: 2023-12-18. Review status: criteria provided, single submitter. Criteria: ACMG Guidelines, 2015. Collection method: clinical testing. Allele origin: germline. Inheritance: Autosomal dominant inheritance. Observed: 8 variant alleles, 8 heterozygotes.
Comment: This missense variant replaces lysine with arginine at codon 14 of the MYBPC3 protein. Computational prediction indicates that this variant may have a neutral impact on protein structure and function (internally defined REVEL score threshold <= 0.5, PMID: 27666373). To our knowledge, functional studies have not been reported for this variant. This variant has been reported in an individual affected with hypertrophic cardiomyopathy (PMID: 26914223). This variant has been identified in 2/233798 chromosomes in the general population by the Genome Aggregation Database (gnomAD). The available evidence is insufficient to determine the role of this variant in disease conclusively. Therefore, this variant is classified as a Variant of Uncertain Significance.

This study involves interpretation of variants in research participants for the purpose of population health screening. Participant phenotype was not available at the time of variant classification. Additional details can be found in publication PMID: 35346344, PMCID: PMC8962531

Ambry Genetics
Classification: Uncertain significance for Cardiovascular phenotype. Last evaluated: 2023-05-09. Review status: criteria provided, single submitter. Criteria: Ambry Variant Classification Scheme 2023. Collection method: clinical testing. Allele origin: germline.
Comment: The p.K14R variant (also known as c.41A>G), located in coding exon 2 of the MYBPC3 gene, results from an A to G substitution at nucleotide position 41. The lysine at codon 14 is replaced by arginine, an amino acid with highly similar properties. This alteration has been reported in a hypertrophic cardiomyopathy (HCM) cohort; however, clinical details were limited (Murphy SL et al. J Cardiovasc Transl Res, 2016 Apr;9:153-61). This amino acid position is highly conserved in available vertebrate species. In addition, the in silico prediction for this alteration is inconclusive. Since supporting evidence is limited at this time, the clinical significance of this alteration remains unclear.

GeneDx
Classification: Uncertain significance. Last evaluated: 2017-03-16. Review status: criteria provided, single submitter. Criteria: GeneDx Variant Classification (06012015). Collection method: clinical testing. Allele origin: germline. Affected: yes.
Comment: A variant of uncertain significance has been identified in the MYBPC3 gene. This variant was not observed in approximately 6,200 individuals of European and African American ancestry in the NHLBI Exome Sequencing Project, indicating it is not a common benign variant in these populations. This substitution occurs at a position that is conserved across species. However, the K14R variant is a conservative amino acid substitution, which is not likely to impact secondary protein structure as these residues share similar properties. In silico analysis is inconsistent in its predictions at to whether or not this variant alters protein structure/function. Furthermore, only one missense variant in a nearby residue (S18L) has been reported in the Human Gene Mutation Database in association with DCM (Stenson et al., 2014). Therefore, based on the currently available information, it is unclear whether this variant is pathogenic or benign.

Literature cited by the submitters: PubMed 26914223 (cited by 3 submitters).